The following is an entry in ClinVar:

ClinVar aggregate classification (germline): Conflicting classifications of pathogenicity. Review status: criteria provided, conflicting classifications (1 of 4 stars). 4 submissions from 4 submitters: Uncertain significance (2); Benign (1); Likely benign (1). Last evaluated 2024-05-12.

Conditions:
Nephrolithiasis/nephrocalcinosis. Identifiers: MedGen CN580796.
Lowe syndrome (OCRL). Also called: LOWE OCULOCEREBRORENAL SYNDROME; PHOSPHATIDYLINOSITOL 4,5-BISPHOSPHATE 5-PHOSPHATASE DEFICIENCY; Oculocerebrorenal Syndrome. Identifiers: Orphanet 534, MedGen C0028860, MONDO:0010645, OMIM 309000.
Dent disease type 2. Identifiers: Orphanet 1652, Orphanet 93623, MedGen C1845167, MONDO:0010359, OMIM 300555.

Allele frequency attached by ClinVar (database versions not stated): gnomAD exomes below 0.00001; ExAC 0.00001; TOPMed 0.00001.
gnomAD v4.1: 5 of 1,206,997 alleles (0.00041%); highest among the groups gnomAD compares: African/African-American, 0.0035%; no homozygotes.

Submissions (4):

Fulgent Genetics
Classification: Uncertain significance for Dent disease type 2; Lowe syndrome. Last evaluated: 2024-05-12. Review status: criteria provided, single submitter. Criteria: ACMG Guidelines, 2015. Collection method: clinical testing. Allele origin: germline.

Labcorp Genetics (formerly Invitae), Labcorp
Classification: Benign for Lowe syndrome. Last evaluated: 2024-03-05. Review status: criteria provided, single submitter. Criteria: Invitae Variant Classification Sherloc (09022015). Collection method: clinical testing. Allele origin: germline.

CeGaT Center for Human Genetics Tuebingen
Classification: Uncertain significance. Last evaluated: 2023-11-01. Review status: criteria provided, single submitter. Criteria: CeGaT Center For Human Genetics Tuebingen Variant Classification Criteria Version 2. Collection method: clinical testing. Allele origin: germline. Affected: yes. Observed: 1 variant allele.
Comment: OCRL: PM2, BP4

Ambry Genetics
Classification: Likely benign for Nephrolithiasis/nephrocalcinosis. Last evaluated: 2023-02-14. Review status: criteria provided, single submitter. Criteria: Ambry Variant Classification Scheme 2023. Collection method: clinical testing. Allele origin: germline.

NM_000276.4(OCRL):c.101A>G (p.Gln34Arg)

Gene: OCRL (OCRL inositol polyphosphate-5-phosphatase; plus strand). Cytogenetic location: Xq26.1.
Variant type: single nucleotide variant.
Coding change: c.101A>G on transcript NM_000276.4 (MANE Select); coding-DNA position 101, A replaced by G.
Protein change: p.Gln34Arg; replaces glutamine 34 with arginine.
Molecular consequence: missense variant.
Genome position (GRCh38, 1-based): chrX:129,540,805, A>G. VCF-style: chrX-129540805-A-G. GRCh37 (hg19) VCF-style: chrX-128674782-A-G.
Other names: c.104A>G, p.Gln35Arg (NM_001318784.2); c.101A>G, p.Gln34Arg (NM_001587.4); short protein forms Q34R, Q35R.
Identifiers: ClinVar variation 2483688 (VCV002483688.29), dbSNP rs751244947, ClinGen allele CA10511928.